The following is an entry in ClinVar:

NM_138711.6(PPARG):c.692C>A (p.Ala231Glu)

Genes: PPARG (peroxisome proliferator activated receptor gamma; plus strand), LOC114803475 (PPARG eExon liver enhancer; plus strand). Cytogenetic location: 3p25.2.
Variant type: single nucleotide variant.
Coding change: c.692C>A on transcript NM_138711.6 (MANE Select); coding-DNA position 692, C replaced by A.
Protein change: p.Ala231Glu; replaces alanine 231 with glutamic acid.
Molecular consequence: missense variant. On other transcripts: intron variant (2).
Genome position (GRCh38, 1-based): chr3:12,406,044, C>A. VCF-style: chr3-12406044-C-A. GRCh37 (hg19) VCF-style: chr3-12447543-C-A.
Other names: c.692C>A, p.Ala231Glu (NM_001330615.4, NM_001354666.3, NM_001354667.3 and 6 more transcripts); c.782C>A, p.Ala261Glu (NM_001354668.2, NM_001374265.1, NM_015869.5); c.698C>A, p.Ala233Glu (NM_001354670.2); c.103-10660C>A (NM_001354669.2); c.653+45C>A (NM_001374266.1); short protein forms A233E, A231E, A261E.
Identifiers: ClinVar variation 2910165 (VCV002910165.3), dbSNP rs2050651799, ClinGen allele CA351618934.
Genomic context (GRCh38, chr3:12,406,044, plus strand): 5'-CCCTGGCAAAACATTTGTATGACTCATACATAAAGTCCTTCCCGCTGACCAAAGCAAAGG[C>A]GAGGGCGATCTTGACAGGAAAGACAACAGACAAATCAGTTAGTTCTCTTCTGCTGTCTTC-3'
Protein context (NP_619725.3, residues 221-241): IKSFPLTKAK[Ala231Glu]RAILTGKTTD

ClinVar aggregate classification (germline): Likely pathogenic (1 of 4 stars; one submission).

Submission:

Labcorp Genetics (formerly Invitae), Labcorp
Classification: Likely pathogenic. Last evaluated: 2025-10-01. Review status: criteria provided, single submitter. Criteria: Invitae Variant Classification Sherloc (09022015). Collection method: clinical testing. Allele origin: germline.
Comment: This sequence change replaces alanine, which is neutral and non-polar, with glutamic acid, which is acidic and polar, at codon 261 of the PPARG protein (p.Ala261Glu). This variant is not present in population databases (gnomAD no frequency). This missense change has been observed in individuals with PPARG-related conditions (PMID: 29622583). ClinVar contains an entry for this variant (Variation ID: 2910165). Invitae Evidence Modeling of protein sequence and biophysical properties (such as structural, functional, and spatial information, amino acid conservation, physicochemical variation, residue mobility, and thermodynamic stability) indicates that this missense variant is expected to disrupt PPARG protein function with a positive predictive value of 95%. In summary, the currently available evidence indicates that the variant is pathogenic, but additional data are needed to prove that conclusively. Therefore, this variant has been classified as Likely Pathogenic.

Literature cited by the submitters: PubMed 29622583.